The following is an entry in ClinVar:

NC_000023.11:g.(?_32438221)_(32614473_?)del

Genes: DMD (dystrophin; minus strand), MIR3915 (microRNA 3915; minus strand). Cytogenetic location: Xp21.1.
Variant type: Deletion.
Identifiers: ClinVar variation 526174 (VCV000526174.1).

ClinVar aggregate classification (germline): Pathogenic (1 of 4 stars; one submission).

Conditions:
Duchenne muscular dystrophy (DMD). Also called: Duchenne Muscular Dystrophy (DMD); MUSCULAR DYSTROPHY, PSEUDOHYPERTROPHIC PROGRESSIVE, DUCHENNE TYPE. Identifiers: Orphanet 98896, MedGen C0013264, MONDO:0010679, OMIM 310200.

Submission:

Labcorp Genetics (formerly Invitae), Labcorp
Classification: Pathogenic for Duchenne muscular dystrophy. Last evaluated: 2017-11-03. Review status: criteria provided, single submitter. Criteria: Invitae Variant Classification Sherloc (09022015). Collection method: clinical testing. Allele origin: germline.
Comment: This variant is an out-of-frame deletion of the genomic region encompassing exons 12-29 of the DMD gene. This is expected to create a premature translational stop signal and result in an absent or disrupted protein product. Similar deletions of DMD exons 12-29 have been reported in several individuals affected with Duchenne muscular dystrophy (PMID: 19367636, 17253928, 21515508). Loss-of-function variants in DMD are known to be pathogenic (PMID: 16770791, 25007885). For these reasons, this variant has been classified as Pathogenic.

Literature cited by the submitters: PubMed 19367636; PubMed 21515508; PubMed 17253928.